The following is an entry in ClinVar:

NM_198578.4(LRRK2):c.5112T>G (p.Phe1704Leu)

Gene: LRRK2 (leucine rich repeat kinase 2; plus strand). Cytogenetic location: 12q12.
Variant type: single nucleotide variant.
Coding change: c.5112T>G on transcript NM_198578.4 (MANE Select); coding-DNA position 5112, T replaced by G.
Protein change: p.Phe1704Leu; replaces phenylalanine 1704 with leucine.
Molecular consequence: missense variant.
Genome position (GRCh38, 1-based): chr12:40,321,130, T>G. VCF-style: chr12-40321130-T-G. GRCh37 (hg19) VCF-style: chr12-40714932-T-G.
Other names: short protein forms F1704L.
Identifiers: ClinVar variation 3229684 (VCV003229684.1), dbSNP rs2499878773, ClinGen allele CA384420019.
Genomic context (GRCh38, chr12:40,321,130, plus strand): 5'-TTGTGAGAACTCTGAAATTATCATCCGACTATATGAAATGCCTTATTTTCCAATGGGATT[T>G]TGGTCAAGATTAATCAATCGATTACTTGAGATTTCACCTTACATGCTTTCAGGGAGAGGT-3'
Protein context (NP_940980.4, residues 1694-1714): LYEMPYFPMG[Phe1704Leu]WSRLINRLLE

ClinVar aggregate classification (germline): Uncertain significance (1 of 4 stars; one submission).

Conditions:
Inborn genetic diseases. Identifiers: MedGen C0950123, MeSH D030342.

Submission:

Ambry Genetics
Classification: Uncertain significance for Inborn genetic diseases. Last evaluated: 2023-11-22. Review status: criteria provided, single submitter. Criteria: Ambry Variant Classification Scheme 2023. Collection method: clinical testing. Allele origin: germline.
Comment: The p.F1704L variant (also known as c.5112T>G), located in coding exon 35 of the LRRK2 gene, results from a T to G substitution at nucleotide position 5112. The phenylalanine at codon 1704 is replaced by leucine, an amino acid with highly similar properties. This amino acid position is conserved. In addition, the in silico prediction for this alteration is inconclusive. Since supporting evidence is limited at this time, the clinical significance of this alteration remains unclear.